The following is an entry in ClinVar:

ClinVar aggregate classification (germline): Uncertain significance. Review status: criteria provided, multiple submitters, no conflicts (2 of 4 stars). 3 submissions from 3 submitters: Uncertain significance (3). Last evaluated 2023-12-16.

Conditions:
Hereditary nonpolyposis colorectal neoplasms. Identifiers: MedGen C0009405, MeSH D003123.
Hereditary cancer-predisposing syndrome. Also called: Hereditary Cancer Syndrome; Tumor predisposition; Hereditary neoplastic syndrome; Neoplastic Syndromes, Hereditary. Identifiers: Orphanet 140162, MedGen C0027672, MeSH D009386, MONDO:0015356.
Lynch syndrome 4 (LYNCH4). Also called: Hereditary non-polyposis colorectal cancer, type 4; Colorectal cancer, hereditary nonpolyposis, type 4. Identifiers: Orphanet 144, MedGen C1838333, MONDO:0013699, OMIM 614337. Disease mechanism: loss of function.

Submissions (3):

Baylor Genetics
Classification: Uncertain significance for Lynch syndrome 4. Last evaluated: 2023-12-16. Review status: criteria provided, single submitter. Criteria: ACMG Guidelines, 2015. Collection method: clinical testing. Allele origin: unknown.

Color Diagnostics, LLC DBA Color Health
Classification: Uncertain significance for Hereditary cancer-predisposing syndrome. Last evaluated: 2023-01-23. Review status: criteria provided, single submitter. Criteria: ACMG Guidelines, 2015. Collection method: clinical testing. Allele origin: germline.
Comment: This missense variant replaces leucine with valine at codon 65 of the PMS2 protein. Computational prediction is inconclusive regarding the impact of this variant on protein structure and function (internally defined REVEL score threshold 0.5 < inconclusive < 0.7, PMID: 27666373). To our knowledge, functional studies have not been reported for this variant. This variant has not been reported in individuals affected with PMS2-related disorders in the literature. This variant has not been identified in the general population by the Genome Aggregation Database (gnomAD). The available evidence is insufficient to determine the role of this variant in disease conclusively. Therefore, this variant is classified as a Variant of Uncertain Significance.

Labcorp Genetics (formerly Invitae), Labcorp
Classification: Uncertain significance for Hereditary nonpolyposis colorectal neoplasms. Last evaluated: 2020-06-15. Review status: criteria provided, single submitter. Criteria: Invitae Variant Classification Sherloc (09022015). Collection method: clinical testing. Allele origin: germline.
Comment: This sequence change replaces leucine with valine at codon 65 of the PMS2 protein (p.Leu65Val). The leucine residue is moderately conserved and there is a small physicochemical difference between leucine and valine. This variant is not present in population databases (ExAC no frequency). This variant has not been reported in the literature in individuals with PMS2-related conditions. Algorithms developed to predict the effect of missense changes on protein structure and function are either unavailable or do not agree on the potential impact of this missense change (SIFT: "Tolerated"; PolyPhen-2: "Possibly Damaging"; Align-GVGD: "Class C0"). In summary, the available evidence is currently insufficient to determine the role of this variant in disease. Therefore, it has been classified as a Variant of Uncertain Significance.

NM_000535.7(PMS2):c.193C>G (p.Leu65Val)

Gene: PMS2 (PMS1 homolog 2, mismatch repair system component; minus strand). Cytogenetic location: 7p22.1.
Variant type: single nucleotide variant.
Coding change: c.193C>G on transcript NM_000535.7 (MANE Select); coding-DNA position 193, C replaced by G.
Protein change: p.Leu65Val; replaces leucine 65 with valine.
Molecular consequence: missense variant. On other transcripts: 5 prime UTR variant (11), non-coding transcript variant (1).
Genome position (GRCh38, 1-based): chr7:6,004,029, G>C on the plus strand (C>G on the coding strand, the complement: PMS2 is on the minus strand). VCF-style: chr7-6004029-G-C. GRCh37 (hg19) VCF-style: chr7-6043660-G-C.
Other names: c.-213C>G (NM_001322003.2, NM_001322004.2, NM_001322005.2 and 3 more transcripts); c.193C>G, p.Leu65Val (NM_001322006.2, NM_001322014.2); c.-23C>G (NM_001322007.2, NM_001322008.2); c.-692C>G (NM_001322011.2, NM_001322012.2); c.-292C>G (NM_001322015.2); short protein forms L65V.
Identifiers: ClinVar variation 1054538 (VCV001054538.12), dbSNP rs1562695468, ClinGen allele CA366744878.